The following is an entry in ClinVar:

ClinVar aggregate classification (germline): Uncertain significance (1 of 4 stars; one submission).

Conditions:
Tuberous sclerosis 2 (TSC2). Identifiers: Orphanet 805, MedGen C1860707, MONDO:0013199, OMIM 613254.

Allele frequency attached by ClinVar (database versions not stated): gnomAD exomes below 0.00001.
gnomAD v4.1: 1 of 1,613,418 alleles (0.000062%); highest among the groups gnomAD compares: Non-Finnish European, 0.000085%; no homozygotes.

Submission:

Labcorp Genetics (formerly Invitae), Labcorp
Classification: Uncertain significance for Tuberous sclerosis 2. Last evaluated: 2025-02-15. Review status: criteria provided, single submitter. Criteria: Invitae Variant Classification Sherloc (09022015). Collection method: clinical testing. Allele origin: germline.
Comment: This sequence change replaces serine, which is neutral and polar, with glycine, which is neutral and non-polar, at codon 641 of the TSC2 protein (p.Ser641Gly). This variant is not present in population databases (gnomAD no frequency). This variant has not been reported in the literature in individuals affected with TSC2-related conditions. ClinVar contains an entry for this variant (Variation ID: 2991530). Invitae Evidence Modeling of protein sequence and biophysical properties (such as structural, functional, and spatial information, amino acid conservation, physicochemical variation, residue mobility, and thermodynamic stability) indicates that this missense variant is not expected to disrupt TSC2 protein function with a negative predictive value of 95%. In summary, the available evidence is currently insufficient to determine the role of this variant in disease. Therefore, it has been classified as a Variant of Uncertain Significance.

NM_000548.5(TSC2):c.1921A>G (p.Ser641Gly)

Gene: TSC2 (TSC complex subunit 2; plus strand). Cytogenetic location: 16p13.3.
Variant type: single nucleotide variant.
Coding change: c.1921A>G on transcript NM_000548.5 (MANE Select); coding-DNA position 1921, A replaced by G.
Protein change: p.Ser641Gly; replaces serine 641 with glycine.
Molecular consequence: missense variant. On other transcripts: non-coding transcript variant (5).
Genome position (GRCh38, 1-based): chr16:2,071,591, A>G. VCF-style: chr16-2071591-A-G. GRCh37 (hg19) VCF-style: chr16-2121592-A-G.
Other names: c.1864A>G, p.Ser622Gly (NM_001406677.1); c.1810A>G, p.Ser604Gly (NM_001406678.1, NM_001318827.2, NM_001406670.1); c.1774A>G, p.Ser592Gly (NM_001406679.1, NM_001318829.2, NM_001406675.1 and 1 more transcripts); c.1321A>G, p.Ser441Gly (NM_001406680.1, NM_001406682.1, NM_001406683.1 and 6 more transcripts); c.1459A>G, p.Ser487Gly (NM_001406681.1); c.1921A>G, p.Ser641Gly (NM_001077183.3, NM_001114382.3, NM_001363528.2 and 6 more transcripts); c.1954A>G, p.Ser652Gly (NM_001318832.2); c.2011A>G, p.Ser671Gly (NM_001406667.1, NM_001406668.1); and 3 more; short protein forms S441G, S487G, S592G, S637G, S652G, S107G, S622G, S671G.
Identifiers: ClinVar variation 2991530 (VCV002991530.3), dbSNP rs2151298557, ClinGen allele CA394273255.